The following is an entry in ClinVar:

NM_000417.3(IL2RA):c.257-3T>C

Gene: IL2RA (interleukin 2 receptor subunit alpha; minus strand). Cytogenetic location: 10p15.1.
Variant type: single nucleotide variant.
Coding change: c.257-3T>C on transcript NM_000417.3 (MANE Select); 3 bases into the intron before coding-DNA position 257, T replaced by C.
Molecular consequence: intron variant.
Genome position (GRCh38, 1-based): chr10:6,024,357, A>G on the plus strand (T>C on the coding strand, the complement: IL2RA is on the minus strand). VCF-style: chr10-6024357-A-G. GRCh37 (hg19) VCF-style: chr10-6066320-A-G.
Other names: c.257-3T>C (NM_001308243.2, NM_001308242.2).
Identifiers: ClinVar variation 2096651 (VCV002096651.3), dbSNP rs2539647059, ClinGen allele CA2580081309.

ClinVar aggregate classification (germline): Uncertain significance (1 of 4 stars; one submission).

Conditions:
Immunodeficiency due to CD25 deficiency. Also called: IMMUNODEFICIENCY 41 WITH LYMPHOPROLIFERATION AND AUTOIMMUNITY; CD25 DEFICIENCY; IL2RA DEFICIENCY. Identifiers: Orphanet 169100, MedGen C1853392, MONDO:0011664, OMIM 606367.

Allele frequency attached by ClinVar (database versions not stated): gnomAD exomes below 0.00001.
gnomAD v4.1: 3 of 1,580,572 alleles (0.00019%); highest among the groups gnomAD compares: Non-Finnish European, 0.00026%; no homozygotes.

Submission:

Labcorp Genetics (formerly Invitae), Labcorp
Classification: Uncertain significance for Immunodeficiency due to CD25 deficiency. Last evaluated: 2022-02-11. Review status: criteria provided, single submitter. Criteria: Invitae Variant Classification Sherloc (09022015). Collection method: clinical testing. Allele origin: germline.
Comment: Variants that disrupt the consensus splice site are a relatively common cause of aberrant splicing (PMID: 17576681, 9536098). Algorithms developed to predict the effect of sequence changes on RNA splicing suggest that this variant is not likely to affect RNA splicing. In summary, the available evidence is currently insufficient to determine the role of this variant in disease. Therefore, it has been classified as a Variant of Uncertain Significance. This variant has not been reported in the literature in individuals affected with IL2RA-related conditions. This sequence change falls in intron 2 of the IL2RA gene. It does not directly change the encoded amino acid sequence of the IL2RA protein. It affects a nucleotide within the consensus splice site. This variant is not present in population databases (gnomAD no frequency).

Literature cited by the submitters: PubMed 17576681; PubMed 9536098.